The following is an entry in ClinVar:

NM_006922.4(SCN3A):c.3365G>A (p.Ser1122Asn)

Gene: SCN3A (sodium voltage-gated channel alpha subunit 3; minus strand). Cytogenetic location: 2q24.3.
Variant type: single nucleotide variant.
Coding change: c.3365G>A on transcript NM_006922.4 (MANE Select); coding-DNA position 3365, G replaced by A.
Protein change: p.Ser1122Asn; replaces serine 1122 with asparagine.
Molecular consequence: missense variant.
Genome position (GRCh38, 1-based): chr2:165,127,659, C>T on the plus strand (G>A on the coding strand, the complement: SCN3A is on the minus strand). VCF-style: chr2-165127659-C-T. GRCh37 (hg19) VCF-style: chr2-165984169-C-T.
Other names: c.3218G>A, p.Ser1073Asn (NM_001081676.2, NM_001081677.2); short protein forms S1073N, S1122N.
Identifiers: ClinVar variation 2501505 (VCV002501505.1), dbSNP rs2468232549, ClinGen allele CA349039875.

ClinVar aggregate classification (germline): Uncertain significance (1 of 4 stars; one submission).

Allele frequency attached by ClinVar (database versions not stated): gnomAD exomes below 0.00001.
gnomAD v4.1: 2 of 1,614,060 alleles (0.00012%); highest among the groups gnomAD compares: Non-Finnish European, 0.00017%; no homozygotes.

Submission:

GeneDx
Classification: Uncertain significance. Last evaluated: 2022-11-05. Review status: criteria provided, single submitter. Criteria: GeneDx Variant Classification Process June 2021. Collection method: clinical testing. Allele origin: germline. Affected: yes.
Comment: Not observed at significant frequency in large population cohorts (gnomAD); In silico analysis supports that this missense variant does not alter protein structure/function; Has not been previously published as pathogenic or benign to our knowledge